The following is an entry in ClinVar:

NM_005535.3(IL12RB1):c.800T>C (p.Leu267Pro)

Gene: IL12RB1 (interleukin 12 receptor subunit beta 1; minus strand). Cytogenetic location: 19p13.11.
Variant type: single nucleotide variant.
Coding change: c.800T>C on transcript NM_005535.3 (MANE Select); coding-DNA position 800, T replaced by C.
Protein change: p.Leu267Pro; replaces leucine 267 with proline.
Molecular consequence: missense variant.
Genome position (GRCh38, 1-based): chr19:18,072,333, A>G on the plus strand (T>C on the coding strand, the complement: IL12RB1 is on the minus strand). VCF-style: chr19-18072333-A-G. GRCh37 (hg19) VCF-style: chr19-18183143-A-G.
Other names: c.800T>C, p.Leu267Pro (NM_001290023.2, NM_153701.3); c.920T>C, p.Leu307Pro (NM_001290024.2); short protein forms L307P, L267P.
Identifiers: ClinVar variation 1470522 (VCV001470522.8), dbSNP rs200508693, ClinGen allele CA9305055.

ClinVar aggregate classification (germline): Uncertain significance (1 of 4 stars; one submission).

Conditions:
Mendelian susceptibility to mycobacterial diseases due to complete IL12RB1 deficiency. Also called: Immunodeficiency 30; IL12RB1 DEFICIENCY. Identifiers: Orphanet 319552, MedGen C4013949, MONDO:0013955, OMIM 614891.

Allele frequency attached by ClinVar (database versions not stated): TOPMed 0.00001; ExAC 0.00002; gnomAD exomes 0.00002.
gnomAD v4.1: 6 of 1,613,750 alleles (0.00037%); highest among the groups gnomAD compares: Admixed American, 0.01%; no homozygotes.

Submission:

Labcorp Genetics (formerly Invitae), Labcorp
Classification: Uncertain significance for Mendelian susceptibility to mycobacterial diseases due to complete IL12RB1 deficiency. Last evaluated: 2021-08-11. Review status: criteria provided, single submitter. Criteria: Invitae Variant Classification Sherloc (09022015). Collection method: clinical testing. Allele origin: germline.
Comment: This variant has not been reported in the literature in individuals with IL12RB1-related conditions. Algorithms developed to predict the effect of missense changes on protein structure and function are either unavailable or do not agree on the potential impact of this missense change (SIFT: "Deleterious"; PolyPhen-2: "Benign"; Align-GVGD: "Class C0"). In summary, the available evidence is currently insufficient to determine the role of this variant in disease. Therefore, it has been classified as a Variant of Uncertain Significance. This variant is present in population databases (rs200508693, ExAC 0.02%). This sequence change replaces leucine with proline at codon 267 of the IL12RB1 protein (p.Leu267Pro). The leucine residue is highly conserved and there is a moderate physicochemical difference between leucine and proline.